The following is an entry in ClinVar:

NM_001024630.4(RUNX2):c.817G>C (p.Ala273Pro)

Gene: RUNX2 (RUNX family transcription factor 2; plus strand). Cytogenetic location: 6p21.1.
Variant type: single nucleotide variant.
Coding change: c.817G>C on transcript NM_001024630.4 (MANE Select); coding-DNA position 817, G replaced by C.
Protein change: p.Ala273Pro; replaces alanine 273 with proline.
Molecular consequence: missense variant.
Genome position (GRCh38, 1-based): chr6:45,492,072, G>C. VCF-style: chr6-45492072-G-C. GRCh37 (hg19) VCF-style: chr6-45459809-G-C.
Other names: c.775G>C, p.Ala259Pro (NM_001278478.2, NM_001369405.1, NM_004348.3); c.817G>C, p.Ala273Pro (NM_001015051.4); short protein forms A259P, A273P.
Identifiers: ClinVar variation 2094613 (VCV002094613.4), dbSNP rs1443448373, ClinGen allele CA363958447.

ClinVar aggregate classification (germline): Uncertain significance (1 of 4 stars; one submission).

Submission:

Labcorp Genetics (formerly Invitae), Labcorp
Classification: Uncertain significance. Last evaluated: 2022-02-08. Review status: criteria provided, single submitter. Criteria: Invitae Variant Classification Sherloc (09022015). Collection method: clinical testing. Allele origin: germline.
Comment: This sequence change replaces alanine, which is neutral and non-polar, with proline, which is neutral and non-polar, at codon 273 of the RUNX2 protein (p.Ala273Pro). This variant is not present in population databases (gnomAD no frequency). This variant has not been reported in the literature in individuals affected with RUNX2-related conditions. Algorithms developed to predict the effect of missense changes on protein structure and function (SIFT, PolyPhen-2, Align-GVGD) all suggest that this variant is likely to be tolerated. In summary, the available evidence is currently insufficient to determine the role of this variant in disease. Therefore, it has been classified as a Variant of Uncertain Significance.